The following is an entry in ClinVar:

ClinVar aggregate classification (germline): Likely benign (1 of 4 stars; one submission).

Conditions:
TRPC5-related disorder. Also called: TRPC5-related condition.

Submission:

PreventionGenetics, part of Exact Sciences
Classification: Likely benign for TRPC5-related condition. Last evaluated: 2025-04-11. Review status: criteria provided, single submitter. Criteria: ACMG Guidelines, 2015. Collection method: clinical testing. Allele origin: germline.
Comment: This variant is classified as likely benign based on ACMG/AMP sequence variant interpretation guidelines (Richards et al. 2015 PMID: 25741868, with internal and published modifications).

NM_012471.3(TRPC5):c.1603C>T (p.Leu535=)

Gene: TRPC5 (transient receptor potential cation channel subfamily C member 5; minus strand). Cytogenetic location: Xq23.
Variant type: single nucleotide variant.
Coding change: c.1603C>T on transcript NM_012471.3 (MANE Select); coding-DNA position 1603, C replaced by T.
Protein change: p.Leu535=; no amino-acid change (leucine 535 retained).
Molecular consequence: synonymous variant.
Genome position (GRCh38, 1-based): chrX:111,847,211, G>A on the plus strand (C>T on the coding strand, the complement: TRPC5 is on the minus strand). VCF-style: chrX-111847211-G-A. GRCh37 (hg19) VCF-style: chrX-111090439-G-A.
Identifiers: ClinVar variation 4977126 (VCV004977126.1).